The following is an entry in ClinVar:

ClinVar aggregate classification (germline): Conflicting classifications of pathogenicity. Review status: criteria provided, conflicting classifications (1 of 4 stars). 3 submissions from 3 submitters: Likely pathogenic (2); Uncertain significance (1). Last evaluated 2022-09-07.

Conditions:
Asphyxiating thoracic dystrophy 3. Also called: Saldino-Noonan Syndrome; SHORT-RIB THORACIC DYSPLASIA 3 WITH OR WITHOUT POLYDACTYLY; POLYDACTYLY WITH NEONATAL CHONDRODYSTROPHY, TYPE I; SHORT-RIB THORACIC DYSPLASIA 3/6 WITH POLYDACTYLY, DIGENIC; Short rib polydactyly syndrome 2B. Identifiers: Orphanet 474, Orphanet 93269, Orphanet 93270, Orphanet 93271, MedGen C0036069, MONDO:0013127, OMIM 613091.
DYNC2H1-related disorder. Also called: DYNC2H1-related condition; DYNC2H1-related disorders. Identifiers: MedGen CN378770.

Allele frequency attached by ClinVar (database versions not stated): gnomAD 0.00002; TOPMed 0.00002.

Submissions (3):

PreventionGenetics, part of Exact Sciences
Classification: Uncertain significance for DYNC2H1-related condition. Last evaluated: 2022-09-07. Review status: criteria provided, single submitter. Criteria: ACMG Guidelines, 2015. Collection method: clinical testing. Allele origin: germline.
Comment: The DYNC2H1 c.11333C>T variant is predicted to result in the amino acid substitution p.Ala3778Val. This variant has been reported in the compound heterozygous state in a patient with short rib-polydactyly syndrome (described as c.11312C>T (p.Ala3771Val), McInerney-Leo et al 2015. PubMed ID: 25492405). This variant is reported in 0.0036% of alleles in individuals of European (Non-Finnish) descent in gnomAD. In ClinVar, this variant is interpreted as likely pathogenic by two clinical laboratories, although evidence for pathogenicity was not presented. While we suspect this variant may be pathogenic, at this time, the clinical significance of this variant is uncertain due to the absence of conclusive functional and genetic evidence.

GeneDx
Classification: Likely pathogenic. Last evaluated: 2020-09-21. Review status: criteria provided, single submitter. Criteria: GeneDx Variant Classification Process June 2021. Collection method: clinical testing. Allele origin: germline. Affected: yes.
Comment: Not observed at a significant frequency in large population cohorts (Lek et al., 2016); In silico analysis supports that this missense variant has a deleterious effect on protein structure/function; This variant is associated with the following publications: (PMID: 25492405)

Institute of Human Genetics Munich, TUM University Hospital
Classification: Likely pathogenic for Asphyxiating thoracic dystrophy 3. Last evaluated: 2019-02-22. Review status: criteria provided, single submitter. Criteria: Classification criteria August 2017. Collection method: clinical testing. Allele origin: maternal. Inheritance: Autosomal recessive inheritance. Affected: yes. Observed: 1 compound heterozygote.

NM_001377.3(DYNC2H1):c.11312C>T (p.Ala3771Val)

Gene: DYNC2H1 (dynein cytoplasmic 2 heavy chain 1; plus strand). Cytogenetic location: 11q22.3.
Variant type: single nucleotide variant.
Coding change: c.11312C>T on transcript NM_001377.3 (MANE Select); coding-DNA position 11312, C replaced by T.
Protein change: p.Ala3771Val; replaces alanine 3771 with valine.
Molecular consequence: missense variant.
Genome position (GRCh38, 1-based): chr11:103,304,650, C>T. VCF-style: chr11-103304650-C-T. GRCh37 (hg19) VCF-style: chr11-103175379-C-T.
Other names: c.11333C>T, p.Ala3778Val (NM_001080463.2); short protein forms A3778V, A3771V.
Identifiers: ClinVar variation 807596 (VCV000807596.7), dbSNP rs760635983, ClinGen allele CA6255231.